The following is an entry in ClinVar:

ClinVar aggregate classification (germline): Pathogenic (1 of 4 stars; one submission).

Conditions:
Familial adenomatous polyposis 1 (FAP1). Also called: FAMILIAL ADENOMATOUS POLYPOSIS 1, ATTENUATED; POLYPOSIS, ADENOMATOUS INTESTINAL. Identifiers: MedGen C2713442, MONDO:0021056, OMIM 175100. Disease mechanism: loss of function.

Submission:

Labcorp Genetics (formerly Invitae), Labcorp
Classification: Pathogenic for Familial adenomatous polyposis 1. Last evaluated: 2016-01-30. Review status: criteria provided, single submitter. Criteria: Invitae Variant Classification Sherloc (09022015). Collection method: clinical testing. Allele origin: germline.
Comment: This sequence change deletes 2 nucleotides and inserts 2 nucleotides in exon 15 of the APC mRNA (c.1866_1867delCCinsAT), creating a premature translational stop signal at codon 622 (p.Tyr622*). It is expected to result in an absent or disrupted protein product. While this particular variant has not been reported in the literature, truncating variants in APC are known to be pathogenic (PMID: 17963004, 20685668). Different sequence changes that also lead to truncations at this position have been reported in individuals either suspected or known to be affected with familial adenomatous polyposis (PMID: 20223039, 1316610, 17963004). For these reasons, this variant has been classified as Pathogenic.

NM_000038.6(APC):c.1866_1867delinsAT (p.Tyr622_Arg623delinsTer)

Gene: APC (APC regulator of Wnt signaling pathway; plus strand). Cytogenetic location: 5q22.2.
Variant type: Indel.
Coding change: c.1866_1867delinsAT on transcript NM_000038.6 (MANE Select); coding-DNA positions 1866 to 1867, CC replaced by AT.
Protein change: p.Tyr622_Arg623delinsTer.
Molecular consequence: nonsense.
Genome position (GRCh38, 1-based): chr5:112,835,073-112,835,074, CC replaced by AT. VCF-style: chr5-112835073-CC-AT. GRCh37 (hg19) VCF-style: chr5-112170770-CC-AT.
Other names: c.1866_1867delinsAT, p.Tyr622_Arg623delinsTer (NM_001127510.3, NM_001354895.2); c.1812_1813delinsAT, p.Tyr604_Arg605delinsTer (NM_001127511.3); c.1920_1921delinsAT, p.Tyr640_Arg641delinsTer (NM_001354896.2); c.1896_1897delinsAT, p.Tyr632_Arg633delinsTer (NM_001354897.2); c.1791_1792delinsAT, p.Tyr597_Arg598delinsTer (NM_001354898.2); c.1782_1783delinsAT, p.Tyr594_Arg595delinsTer (NM_001354899.2); c.1743_1744delinsAT, p.Tyr581_Arg582delinsTer (NM_001354900.2); c.1689_1690delinsAT, p.Tyr563_Arg564delinsTer (NM_001354901.2); and 5 more.
Identifiers: ClinVar variation 236564 (VCV000236564.1), dbSNP rs878853419, ClinGen allele CA10582290.